The following is an entry in ClinVar:

NM_000219.6(KCNE1):c.164G>T (p.Gly55Val)

Gene: KCNE1 (potassium voltage-gated channel subfamily E regulatory subunit 1; minus strand). Cytogenetic location: 21q22.12.
Variant type: single nucleotide variant.
Coding change: c.164G>T on transcript NM_000219.6 (MANE Select); coding-DNA position 164, G replaced by T.
Protein change: p.Gly55Val; replaces glycine 55 with valine.
Molecular consequence: missense variant.
Genome position (GRCh38, 1-based): chr21:34,449,471, C>A on the plus strand (G>T on the coding strand, the complement: KCNE1 is on the minus strand). VCF-style: chr21-34449471-C-A. GRCh37 (hg19) VCF-style: chr21-35821769-C-A.
Other names: c.164G>T, p.Gly55Val (NM_001127668.4, NM_001127669.4, NM_001127670.4 and 4 more transcripts); short protein forms G55V.
Identifiers: ClinVar variation 3374216 (VCV003374216.2).

Conditions:
Long QT syndrome 5 (LQT5). Identifiers: Orphanet 101016, Orphanet 768, MedGen C1867904, MONDO:0013372, OMIM 613695.

Submission:

Roden Lab, Vanderbilt University Medical Center
No classification provided (evidence only). Condition: Long QT syndrome 5. Review status: no classification provided. Collection method: in vitro. Allele origin: not applicable. Functional consequence: Effect on ion channel function.
ClinVar note: "not provided" was previously submitted as the classification for the variant. However, the classification appeared to be based only on an observation of functional data so it was converted to no classification on 2025-07-30.